The following is an entry in ClinVar:

NM_001267550.2(TTN):c.106368_106374+6delinsACAAA

Genes: TTN (titin; minus strand), TTN-AS1 (TTN antisense RNA 1; plus strand). Cytogenetic location: 2q31.2.
Variant type: Indel.
Coding change: c.106368_106374+6delinsACAAA on transcript NM_001267550.2 (MANE Select); coding-DNA position 106368 through 6 bases into the intron after coding-DNA position 106374, TGGAAAGGTAACC replaced by ACAAA.
Molecular consequence: splice donor variant.
Genome position (GRCh38, 1-based): chr2:178,530,235-178,530,247, GGTTACCTTTCCA replaced by TTTGT on the plus strand (TGGAAAGGTAACC replaced by ACAAA on the coding strand, the reverse complement: TTN is on the minus strand). VCF-style: chr2-178530235-GGTTACCTTTCCA-TTTGT. GRCh37 (hg19) VCF-style: chr2-179394962-GGTTACCTTTCCA-TTTGT.
Other names: c.79173_79179+6delinsACAAA (NM_003319.4); c.79749_79755+6delinsACAAA (NM_133437.4); c.79548_79554+6delinsACAAA (NM_133432.3); c.98664_98670+6delinsACAAA (NM_133378.4); c.101445_101451+6delinsACAAA (NM_001256850.1); c.79173_79179+6del13insACAAA (NM_003319.4).
Identifiers: ClinVar variation 3330083 (VCV003330083.1).
Genomic context (GRCh38, chr2:178,530,235, plus strand): 5'-GAAGCTGAATTTAGAAGATAAAATATTTTAGAAGATAAAAGAAAGAGACATTTAAGAACT[GGTTACCTTTCCA>TTTGT]TCTTTTGTCCAGATGGCAGTTGGCCGGGGTTCTCCAGTAGCCTTAACTGCAAATTTAGCA-3'

ClinVar aggregate classification (germline): Likely pathogenic (1 of 4 stars; one submission).

Conditions:
Cardiovascular phenotype. Identifiers: MedGen CN230736.

Submission:

Ambry Genetics
Classification: Likely pathogenic for Cardiovascular phenotype. Last evaluated: 2024-04-17. Review status: criteria provided, single submitter. Criteria: Ambry Variant Classification Scheme 2023. Collection method: clinical testing. Allele origin: germline.
Comment: The c.79173_79179+6del13insACAAA variant results from a deletion of 13 nucleotides and insertion of 5 nucleotides at positions c.79173 to c.79179+6 and involves the canonical splice donor site after coding exon 185 of the TTN gene. Exon 185 is located in the M-band region of the N2-B isoform of the titin protein and is constitutively expressed in TTN transcripts (percent spliced in or PSI 100%). The canonical splice donor site is highly conserved in available vertebrate species. In silico splice site analysis predicts that this alteration will weaken the native splice donor site; however, the exact impact of this alteration on TTN splicing and function is currently unknown. This alteration disrupts the canonical splice site and is expected to cause aberrant splicing, resulting in an abnormal protein or a transcript that is subject to nonsense-mediated mRNA decay. While loss of function variants in TTN are present in 1-3% of the general population, truncating variants (a category that includes canonical splice site variants) in the M-band have been reported in association with autosomal recessive titinopathies, primarily presenting with skeletal myopathy phenotypes (Ceyhan-Birsoy O et al. Neurology. 2013 Oct 1;81(14):1205-14; De Cid R et al. Neurology. 2015;85(24):2126-35). In addition, regardless of their position, TTN truncating variants encoded in constitutive exons (PSI >90%) have been found to be significantly associated with dilated cardiomyopathy (DCM), though truncating variants in the A-band are the most common cause of DCM (Herman DS et al. N. Engl. J. Med., 2012 Feb;366:619-28; Roberts AM et al. Sci Transl Med, 2015 Jan;7:270ra6; Schafer S et al. Nat. Genet., 2017 01;49:46-53). This variant is considered to be rare based on population cohorts in the Genome Aggregation Database (gnomAD). Based on the majority of available evidence to date, this variant is likely to be pathogenic in association with autosomal recessive titinopathy; however, the clinical significance of this alteration with respect to cardiomyopathy remains unclear.